The following is an entry in ClinVar:

ClinVar aggregate classification (germline): Uncertain significance (1 of 4 stars; one submission).

Conditions:
Muscular dystrophy, limb-girdle, autosomal dominant 4. Also called: Calpain-3-related limb-girdle muscular dystrophy D4; MUSCULAR DYSTROPHY, LIMB-GIRDLE, TYPE 1I. Identifiers: Orphanet 565909, MedGen C4748295, MONDO:0029133, OMIM 618129.

Submission:

Diagnostics Services (NGS), CSIR - Centre For Cellular And Molecular Biology
Classification: Uncertain significance for Muscular dystrophy, limb-girdle, autosomal dominant 4. Last evaluated: 2021-10-20. Review status: criteria provided, single submitter. Criteria: ACMG Guidelines, 2015. Collection method: clinical testing. Allele origin: unknown. Inheritance: Autosomal dominant inheritance. Affected: yes. Observed: 1 variant allele, 1 heterozygote.
Comment: The c.642T>G variant is not present in publicly available database 1000 Genomes, Exome Variant Server (EVS), Exome Aggregation Consortium (ExAC), Genome Aggregation Database (gnomAD) and dbSNP. The variant is not present in Indian Exome Database and in our in-house exome database. The variant was not earlier reported to ClinVar, Human Genome Mutation Database and OMIM databases in any affected individuals. Predictions from different in-silico pathogenicity prediction programs like SIFT, PolyPhen-2, MutationTaster2, CADD, Varsome, InterVar etc. are contradictory. The variant activates a cryptic splice donor site and may potentially alter the splicing as predicted by the in-silico Human Splicing Finder (HSF Pro, Genomnis, France) program however these predictions have not been confirmed by published functional studies.

NM_000070.3(CAPN3):c.642T>G (p.Gly214=)

Gene: CAPN3 (calpain 3; plus strand). Cytogenetic location: 15q15.1.
Variant type: single nucleotide variant.
Coding change: c.642T>G on transcript NM_000070.3 (MANE Select); coding-DNA position 642, T replaced by G.
Protein change: p.Gly214=; no amino-acid change (glycine 214 retained).
Molecular consequence: synonymous variant.
Genome position (GRCh38, 1-based): chr15:42,388,937, T>G. VCF-style: chr15-42388937-T-G. GRCh37 (hg19) VCF-style: chr15-42681135-T-G.
Other names: c.642T>G, p.Gly214= (NM_024344.2, NM_173087.2).
Identifiers: ClinVar variation 1329478 (VCV001329478.3), dbSNP rs2141167656, ClinGen allele CA489878796.
Genomic context (GRCh38, chr15:42,388,937, plus strand): 5'-TTGTTCCCTGGAACTCTGTGACCCCAAATTGGTCTTCATCCTCTCTCTAAGGCTCCATGG[T>G]TCCTACGAAGCTCTGAAAGGTGGGAACACCACAGAGGCCATGGAGGACTTCACAGGAGGG-3'
Protein context (NP_000061.1, residues 204-224): LLEKAYAKLH[Gly214=]SYEALKGGNT